The following is an entry in ClinVar:

NM_001128148.3(TFRC):c.1055A>C (p.Asp352Ala)

Gene: TFRC (transferrin receptor; minus strand). Cytogenetic location: 3q29.
Variant type: single nucleotide variant.
Coding change: c.1055A>C on transcript NM_001128148.3 (MANE Select); coding-DNA position 1055, A replaced by C.
Protein change: p.Asp352Ala; replaces aspartic acid 352 with alanine.
Molecular consequence: missense variant.
Genome position (GRCh38, 1-based): chr3:196,065,586, T>G on the plus strand (A>C on the coding strand, the complement: TFRC is on the minus strand). VCF-style: chr3-196065586-T-G. GRCh37 (hg19) VCF-style: chr3-195792457-T-G.
Other names: c.812A>C, p.Asp271Ala (NM_001313965.2); c.209A>C, p.Asp70Ala (NM_001313966.2); c.1055A>C, p.Asp352Ala (NM_003234.4); c.1055A>C (NM_003234.2); short protein forms D352A, D271A, D70A.
Identifiers: ClinVar variation 2759134 (VCV002759134.4), dbSNP rs140316777, ClinGen allele CA2778078.

ClinVar aggregate classification (germline): Uncertain significance. Review status: criteria provided, multiple submitters, no conflicts (2 of 4 stars). 2 submissions from 2 submitters: Uncertain significance (2). Last evaluated 2023-10-10.

Conditions:
Inborn genetic diseases. Identifiers: MedGen C0950123, MeSH D030342.

Submissions (2):

Ambry Genetics
Classification: Uncertain significance for Inborn genetic diseases. Last evaluated: 2023-10-10. Review status: criteria provided, single submitter. Criteria: Ambry Variant Classification Scheme 2023. Collection method: clinical testing. Allele origin: germline.

Labcorp Genetics (formerly Invitae), Labcorp
Classification: Uncertain significance. Last evaluated: 2023-03-17. Review status: criteria provided, single submitter. Criteria: Invitae Variant Classification Sherloc (09022015). Collection method: clinical testing. Allele origin: germline.
Comment: In summary, the available evidence is currently insufficient to determine the role of this variant in disease. Therefore, it has been classified as a Variant of Uncertain Significance. Advanced modeling of protein sequence and biophysical properties (such as structural, functional, and spatial information, amino acid conservation, physicochemical variation, residue mobility, and thermodynamic stability) performed at Invitae indicates that this missense variant is not expected to disrupt TFRC protein function. This variant has not been reported in the literature in individuals affected with TFRC-related conditions. This variant is present in population databases (rs140316777, gnomAD 0.06%). This sequence change replaces aspartic acid, which is acidic and polar, with alanine, which is neutral and non-polar, at codon 352 of the TFRC protein (p.Asp352Ala).